The following is an entry in ClinVar:

NM_001103.4(ACTN2):c.697+1G>A

Gene: ACTN2 (actinin alpha 2; plus strand). Cytogenetic location: 1q43.
Variant type: single nucleotide variant.
Coding change: c.697+1G>A on transcript NM_001103.4 (MANE Select); the canonical splice donor site of the intron after coding-DNA position 697, G replaced by A.
Molecular consequence: splice donor variant.
Genome position (GRCh38, 1-based): chr1:236,731,315, G>A. VCF-style: chr1-236731315-G-A. GRCh37 (hg19) VCF-style: chr1-236894615-G-A.
Other names: c.697+1G>A (NM_001278343.2).
Identifiers: ClinVar variation 439367 (VCV000439367.16), dbSNP rs113669376, ClinGen allele CA39718938.

ClinVar aggregate classification (germline): Uncertain significance. Review status: criteria provided, multiple submitters, no conflicts (2 of 4 stars). 3 submissions from 3 submitters: Uncertain significance (3). Last evaluated 2025-04-09.

Conditions:
Cardiovascular phenotype. Identifiers: MedGen CN230736.
Primary familial hypertrophic cardiomyopathy (HCM). Identifiers: Orphanet 99739, MedGen C0949658, MeSH D024741, MONDO:0024573. Inheritance: Various modes of inheritance.
Dilated cardiomyopathy 1AA (CMD1AA). Also called: Cardiomyopathy, dilated, 1AA, with or without LVNC; CARDIOMYOPATHY, DILATED, 1AA, WITH OR WITHOUT LEFT VENTRICULAR NONCOMPACTION; CARDIOMYOPATHY, FAMILIAL HYPERTROPHIC, 23, WITH OR WITHOUT LEFT VENTRICULAR NONCOMPACTION. Identifiers: Orphanet 154, MedGen C2677338, MONDO:0012808, OMIM 612158.

Allele frequency attached by ClinVar (database versions not stated): gnomAD exomes 0.00001.
gnomAD v4.1: 9 of 1,612,296 alleles (0.00056%); highest among the groups gnomAD compares: Non-Finnish European, 0.00068%; no homozygotes.

Submissions (3):

Molecular Diagnostic Laboratory for Inherited Cardiovascular Disease, Montreal Heart Institute
Classification: Uncertain significance for Cardiovascular phenotype. Last evaluated: 2025-04-09. Review status: criteria provided, single submitter. Criteria: ACMG Guidelines, 2015. Collection method: clinical testing. Allele origin: germline. Affected: yes.
Comment: PVS1_mod, PM2

Labcorp Genetics (formerly Invitae), Labcorp
Classification: Uncertain significance for Primary familial hypertrophic cardiomyopathy; Dilated cardiomyopathy 1AA. Last evaluated: 2024-09-16. Review status: criteria provided, single submitter. Criteria: Invitae Variant Classification Sherloc (09022015). Collection method: clinical testing. Allele origin: germline.
Comment: This sequence change affects a donor splice site in intron 7 of the ACTN2 gene. It is expected to disrupt RNA splicing. Variants that disrupt the donor or acceptor splice site typically lead to a loss of protein function (PMID: 16199547), however the current clinical and genetic evidence is not sufficient to establish whether loss-of-function variants in ACTN2 cause disease. This variant is not present in population databases (gnomAD no frequency). This variant has not been reported in the literature in individuals affected with ACTN2-related conditions. ClinVar contains an entry for this variant (Variation ID: 439367). Algorithms developed to predict the effect of sequence changes on RNA splicing suggest that this variant may disrupt the consensus splice site. In summary, the available evidence is currently insufficient to determine the role of this variant in disease. Therefore, it has been classified as a Variant of Uncertain Significance.

ARUP Laboratories, Molecular Genetics and Genomics, ARUP Laboratories
Classification: Uncertain significance. Last evaluated: 2017-02-21. Review status: criteria provided, single submitter. Criteria: ARUP Molecular Germline Variant Investigation Process. Collection method: clinical testing. Allele origin: germline.

Literature cited by the submitters: PubMed 16199547 (cited by Labcorp Genetics (formerly Invitae), Labcorp).